The following is an entry in ClinVar:

NM_005477.3(HCN4):c.725G>A (p.Arg242His)

Gene: HCN4 (hyperpolarization activated cyclic nucleotide gated potassium channel 4; minus strand). Cytogenetic location: 15q24.1.
Variant type: single nucleotide variant.
Coding change: c.725G>A on transcript NM_005477.3 (MANE Select); coding-DNA position 725, G replaced by A.
Protein change: p.Arg242His; replaces arginine 242 with histidine.
Molecular consequence: missense variant.
Genome position (GRCh38, 1-based): chr15:73,367,546, C>T on the plus strand (G>A on the coding strand, the complement: HCN4 is on the minus strand). VCF-style: chr15-73367546-C-T. GRCh37 (hg19) VCF-style: chr15-73659887-C-T.
Other names: short protein forms R242H.
Identifiers: ClinVar variation 1215899 (VCV001215899.7), dbSNP rs1253627105, ClinGen allele CA393097110.

ClinVar aggregate classification (germline): Uncertain significance. Review status: criteria provided, multiple submitters, no conflicts (2 of 4 stars). 3 submissions from 3 submitters: Uncertain significance (3). Last evaluated 2025-08-20.

Conditions:
Brugada syndrome 8 (BRGDA8). Identifiers: Orphanet 130, MedGen C2751083, MONDO:0013148, OMIM 613123.

Allele frequency attached by ClinVar (database versions not stated): TOPMed 0.00001; gnomAD 0.00002.
gnomAD v4.1: 3 of 1,613,950 alleles (0.00019%); highest among the groups gnomAD compares: Non-Finnish European, 0.00017%; no homozygotes.

Submissions (3):

GeneDx
Classification: Uncertain significance. Last evaluated: 2025-08-20. Review status: criteria provided, single submitter. Criteria: GeneDx Variant Classification Process June 2021. Collection method: clinical testing. Allele origin: germline. Affected: yes.
Comment: Has not been previously published as pathogenic or benign to our knowledge; Not observed at significant frequency in large population cohorts (gnomAD); In silico analysis suggests that this missense variant does not alter protein structure/function

Labcorp Genetics (formerly Invitae), Labcorp
Classification: Uncertain significance for Brugada syndrome 8. Last evaluated: 2025-03-18. Review status: criteria provided, single submitter. Criteria: Invitae Variant Classification Sherloc (09022015). Collection method: clinical testing. Allele origin: germline.
Comment: This sequence change replaces arginine, which is basic and polar, with histidine, which is basic and polar, at codon 242 of the HCN4 protein (p.Arg242His). This variant is present in population databases (no rsID available, gnomAD 0.03%). This variant has not been reported in the literature in individuals affected with HCN4-related conditions. ClinVar contains an entry for this variant (Variation ID: 1215899). Invitae Evidence Modeling of protein sequence and biophysical properties (such as structural, functional, and spatial information, amino acid conservation, physicochemical variation, residue mobility, and thermodynamic stability) indicates that this missense variant is not expected to disrupt HCN4 protein function with a negative predictive value of 95%. In summary, the available evidence is currently insufficient to determine the role of this variant in disease. Therefore, it has been classified as a Variant of Uncertain Significance.

Blueprint Genetics
Classification: Uncertain significance. Last evaluated: 2023-02-10. Review status: criteria provided, single submitter. Criteria: ACMG Guidelines, 2015. Collection method: clinical testing. Allele origin: germline.